The following is an entry in ClinVar:

NM_000551.4(VHL):c.380G>A (p.Gly127Glu)

Genes: VHL (von Hippel-Lindau tumor suppressor; plus strand), LOC107303340 (3p25 von Hippel-Lindau tumor suppressor, E3 ubiquitin protein ligase Alu-mediated recombination region; plus strand). Cytogenetic location: 3p25.3.
Variant type: single nucleotide variant.
Coding change: c.380G>A on transcript NM_000551.4 (MANE Select); coding-DNA position 380, G replaced by A.
Protein change: p.Gly127Glu; replaces glycine 127 with glutamic acid.
Molecular consequence: missense variant. On other transcripts: non-coding transcript variant (1), intron variant (2).
Genome position (GRCh38, 1-based): chr3:10,146,553, G>A. VCF-style: chr3-10146553-G-A. GRCh37 (hg19) VCF-style: chr3-10188237-G-A.
Other names: c.*18-3234G>A (NM_001354723.2); c.341-3234G>A (NM_198156.3); short protein forms G127E.
Identifiers: ClinVar variation 3363876 (VCV003363876.1).
Genomic context (GRCh38, chr3:10,146,553, plus strand): 5'-AACCTTTGCTTGTCCCGATAGGTCACCTTTGGCTCTTCAGAGATGCAGGGACACACGATG[G>A]GCTTCTGGTTAACCAAACTGAATTATTTGTGCCATCTCTCAATGTTGACGGACAGCCTAT-3'
Protein context (NP_000542.1, residues 117-137): WLFRDAGTHD[Gly127Glu]LLVNQTELFV

ClinVar aggregate classification (germline): Uncertain significance (1 of 4 stars; one submission).

Submission:

GeneDx
Classification: Uncertain significance. Last evaluated: 2023-11-08. Review status: criteria provided, single submitter. Criteria: GeneDx Variant Classification Process June 2021. Collection method: clinical testing. Allele origin: germline. Affected: yes.
Comment: Not observed at significant frequency in large population cohorts (gnomAD); In silico analysis supports that this missense variant does not alter protein structure/function; Has not been previously published as pathogenic or benign to our knowledge